The following is an entry in ClinVar:

ClinVar aggregate classification (germline): Benign (1 of 4 stars; one submission).

Allele frequency attached by ClinVar (database versions not stated): gnomAD 0.42240 and 0.44015; TOPMed 0.42954; 1000 Genomes Project 30x 0.58011; 1000 Genomes Project 0.59545.
gnomAD v4.1: 67,012 of 152,088 alleles (44%); highest among the groups gnomAD compares: East Asian, 96%; 16,215 homozygotes.

Submission:

GeneDx
Classification: Benign. Last evaluated: 2018-06-18. Review status: criteria provided, single submitter. Criteria: GeneDx Variant Classification (06012015). Collection method: clinical testing. Allele origin: germline. Affected: yes.
Comment: This variant is considered likely benign or benign based on one or more of the following criteria: it is a conservative change, it occurs at a poorly conserved position in the protein, it is predicted to be benign by multiple in silico algorithms, and/or has population frequency not consistent with disease.

NM_000069.3(CACNA1S):c.1948+279G>A

Gene: CACNA1S (calcium voltage-gated channel subunit alpha1 S; minus strand). Cytogenetic location: 1q32.1.
Variant type: single nucleotide variant.
Coding change: c.1948+279G>A on transcript NM_000069.3 (MANE Select); 279 bases into the intron after coding-DNA position 1948, G replaced by A.
Molecular consequence: intron variant.
Genome position (GRCh38, 1-based): chr1:201,075,216, C>T on the plus strand (G>A on the coding strand, the complement: CACNA1S is on the minus strand). VCF-style: chr1-201075216-C-T. GRCh37 (hg19) VCF-style: chr1-201044344-C-T.
Identifiers: ClinVar variation 668053 (VCV000668053.1), dbSNP rs3767510, ClinGen allele CA10865544.